The following is an entry in ClinVar:

NC_000013.11:g.76992013C>G

Gene: CLN5 (CLN5 lysosomal BMP synthase; plus strand). Cytogenetic location: 13q22.3.
Variant type: single nucleotide variant.
Genome position: GRCh38 VCF-style: chr13-76992013-C-G. GRCh37 (hg19) VCF-style: chr13-77566148-C-G.
Other names: c.-86C>G (NM_006493.4).
Identifiers: ClinVar variation 1059382 (VCV001059382.11), dbSNP rs988786332, ClinGen allele CA252175582.

ClinVar aggregate classification (germline): Uncertain significance. Review status: criteria provided, single submitter (1 of 4 stars). 2 submissions from 2 submitters: Uncertain significance (1). 1 of the submissions does not count toward it. Last evaluated 2022-10-13.

Conditions:
Neuronal ceroid lipofuscinosis. Also called: Neuronal Ceroid Lipofuscinoses. Identifiers: Orphanet 216, Orphanet 79263, MedGen C0027877, MONDO:0016295. Disease mechanism: loss of function.

Submissions (2):

Labcorp Genetics (formerly Invitae), Labcorp
Classification: Uncertain significance for Neuronal ceroid lipofuscinosis. Last evaluated: 2022-10-13. Review status: criteria provided, single submitter. Criteria: Invitae Variant Classification Sherloc (09022015). Collection method: clinical testing. Allele origin: germline.
Comment: This sequence change replaces proline, which is neutral and non-polar, with arginine, which is basic and polar, at codon 21 of the CLN5 protein (p.Pro21Arg). This variant is not present in population databases (gnomAD no frequency). This variant has not been reported in the literature in individuals affected with CLN5-related conditions. ClinVar contains an entry for this variant (Variation ID: 1059382). Algorithms developed to predict the effect of missense changes on protein structure and function output the following: SIFT: "Deleterious"; PolyPhen-2: "Benign"; Align-GVGD: "Class C0". The arginine amino acid residue is found in multiple mammalian species, which suggests that this missense change does not adversely affect protein function. In summary, the available evidence is currently insufficient to determine the role of this variant in disease. Therefore, it has been classified as a Variant of Uncertain Significance.

Natera, Inc.
Classification: Uncertain significance for Neuronal ceroid lipofuscinosis. Last evaluated: 2021-10-18. Review status: no assertion criteria provided. Collection method: clinical testing. Allele origin: germline. Not counted in ClinVar's aggregate classification.